The following is an entry in ClinVar:

NM_006580.4(CLDN16):c.398T>C (p.Ile133Thr)

Gene: CLDN16 (claudin 16; plus strand). Cytogenetic location: 3q28.
Variant type: single nucleotide variant.
Coding change: c.398T>C on transcript NM_006580.4 (MANE Select); coding-DNA position 398, T replaced by C.
Protein change: p.Ile133Thr; replaces isoleucine 133 with threonine.
Molecular consequence: missense variant.
Genome position (GRCh38, 1-based): chr3:190,408,329, T>C. VCF-style: chr3-190408329-T-C. GRCh37 (hg19) VCF-style: chr3-190126118-T-C.
Other names: c.398T>C, p.Ile133Thr (NM_001378492.1, NM_001378493.1); short protein forms I133T.
Identifiers: ClinVar variation 1953393 (VCV001953393.5), dbSNP rs1261570205, ClinGen allele CA355766945.

ClinVar aggregate classification (germline): Uncertain significance (1 of 4 stars; one submission).

Allele frequency attached by ClinVar (database versions not stated): gnomAD exomes below 0.00001; gnomAD 0.00001.
gnomAD v4.1: 6 of 1,614,010 alleles (0.00037%); highest among the groups gnomAD compares: Middle Eastern, 0.033%; no homozygotes.

Submission:

Labcorp Genetics (formerly Invitae), Labcorp
Classification: Uncertain significance. Last evaluated: 2022-07-06. Review status: criteria provided, single submitter. Criteria: Invitae Variant Classification Sherloc (09022015). Collection method: clinical testing. Allele origin: germline.
Comment: This variant has not been reported in the literature in individuals affected with CLDN16-related conditions. Algorithms developed to predict the effect of missense changes on protein structure and function (SIFT, PolyPhen-2, Align-GVGD) all suggest that this variant is likely to be tolerated. In summary, the available evidence is currently insufficient to determine the role of this variant in disease. Therefore, it has been classified as a Variant of Uncertain Significance. This variant is present in population databases (no rsID available, gnomAD 0.006%). This sequence change replaces isoleucine, which is neutral and non-polar, with threonine, which is neutral and polar, at codon 203 of the CLDN16 protein (p.Ile203Thr).